The following is an entry in ClinVar:

NM_001128228.3(TPRN):c.851G>A (p.Arg284His)

Gene: TPRN (taperin; minus strand). Cytogenetic location: 9q34.3.
Variant type: single nucleotide variant.
Coding change: c.851G>A on transcript NM_001128228.3 (MANE Select); coding-DNA position 851, G replaced by A.
Protein change: p.Arg284His; replaces arginine 284 with histidine.
Molecular consequence: missense variant.
Genome position (GRCh38, 1-based): chr9:137,199,861, C>T on the plus strand (G>A on the coding strand, the complement: TPRN is on the minus strand). VCF-style: chr9-137199861-C-T. GRCh37 (hg19) VCF-style: chr9-140094313-C-T.
Other names: c.851G>A (NM_001128228.2); short protein forms R284H.
Identifiers: ClinVar variation 1515204 (VCV001515204.10), dbSNP rs557115232, ClinGen allele CA5362876.
Genomic context (GRCh38, chr9:137,199,861, plus strand): 5'-TTGGGGGCCGGCCGTATCTCGAAGGAGTCGTTGGTGCTGGTGGCTGCGGAGACGCACTGG[C>T]GCTGGCTAGGAGTGGCACTGGCAGGGGGTGAGGCTGGAGTGGCACTCGGGGTCCCGGGGC-3'
Protein context (NP_001121700.2, residues 274-294): SPPASATPSQ[Arg284His]QCVSAATSTN

ClinVar aggregate classification (germline): Uncertain significance. Review status: criteria provided, multiple submitters, no conflicts (2 of 4 stars). 5 submissions from 5 submitters: Uncertain significance (5). Last evaluated 2026-09-16.

Conditions:
TPRN-related disorder. Also called: TPRN-related condition.
Inborn genetic diseases. Identifiers: MedGen C0950123, MeSH D030342.

Allele frequency attached by ClinVar (database versions not stated): TOPMed 0.00015; gnomAD 0.00017; gnomAD exomes 0.00027 and 0.00013; ExAC 0.00029.

Submissions (5):

PreventionGenetics, part of Exact Sciences
Classification: Uncertain significance for TPRN-related condition. Last evaluated: 2026-09-16. Review status: criteria provided, single submitter. Criteria: ACMG Guidelines, 2015. Collection method: clinical testing. Allele origin: germline.
Comment: The TPRN c.851G>A variant is predicted to result in the amino acid substitution p.Arg284His. To our knowledge, this variant has not been reported in the literature. This variant is reported in 0.031% of alleles in individuals of African descent in gnomAD. At this time, the clinical significance of this variant is uncertain due to the absence of conclusive functional and genetic evidence.

GeneDx
Classification: Uncertain significance. Last evaluated: 2026-03-27. Review status: criteria provided, single submitter. Criteria: GeneDx Variant Classification Process June 2021. Collection method: clinical testing. Allele origin: germline.
Comment: In silico analysis suggests that this missense variant does not alter protein structure/function; Has not been previously published as pathogenic or benign to our knowledge

Ambry Genetics
Classification: Uncertain significance for Inborn genetic diseases. Last evaluated: 2025-09-01. Review status: criteria provided, single submitter. Criteria: Ambry Variant Classification Scheme 2023. Collection method: clinical testing. Allele origin: germline.

Blueprint Genetics
Classification: Uncertain significance. Last evaluated: 2024-11-06. Review status: criteria provided, single submitter. Criteria: ACMG Guidelines, 2015. Collection method: clinical testing. Allele origin: germline.

Labcorp Genetics (formerly Invitae), Labcorp
Classification: Uncertain significance. Last evaluated: 2022-07-05. Review status: criteria provided, single submitter. Criteria: Invitae Variant Classification Sherloc (09022015). Collection method: clinical testing. Allele origin: germline.
Comment: This variant is present in population databases (rs557115232, gnomAD 0.02%). This sequence change replaces arginine, which is basic and polar, with histidine, which is basic and polar, at codon 284 of the TPRN protein (p.Arg284His). This variant has not been reported in the literature in individuals affected with TPRN-related conditions. In summary, the available evidence is currently insufficient to determine the role of this variant in disease. Therefore, it has been classified as a Variant of Uncertain Significance. Algorithms developed to predict the effect of missense changes on protein structure and function are either unavailable or do not agree on the potential impact of this missense change (SIFT: "Deleterious"; PolyPhen-2: "Probably Damaging"; Align-GVGD: "Class C0"). ClinVar contains an entry for this variant (Variation ID: 1515204).